The following is an entry in ClinVar:

ClinVar aggregate classification (germline): Uncertain significance. Review status: criteria provided, multiple submitters, no conflicts (2 of 4 stars). 2 submissions from 2 submitters: Uncertain significance (2). Last evaluated 2024-07-06.

Conditions:
Inborn genetic diseases. Identifiers: MedGen C0950123, MeSH D030342.

Allele frequency attached by ClinVar (database versions not stated): gnomAD exomes 0.00002; ExAC 0.00014; gnomAD 0.00001; TOPMed 0.00002.
gnomAD v4.1: 32 of 1,545,404 alleles (0.0021%); highest among the groups gnomAD compares: Admixed American, 0.041%; no homozygotes.

Submissions (2):

Ambry Genetics
Classification: Uncertain significance for Inborn genetic diseases. Last evaluated: 2024-07-06. Review status: criteria provided, single submitter. Criteria: Ambry Variant Classification Scheme 2023. Collection method: clinical testing. Allele origin: germline.

Labcorp Genetics (formerly Invitae), Labcorp
Classification: Uncertain significance. Last evaluated: 2022-05-12. Review status: criteria provided, single submitter. Criteria: Invitae Variant Classification Sherloc (09022015). Collection method: clinical testing. Allele origin: germline.
Comment: In summary, the available evidence is currently insufficient to determine the role of this variant in disease. Therefore, it has been classified as a Variant of Uncertain Significance. Algorithms developed to predict the effect of missense changes on protein structure and function are either unavailable or do not agree on the potential impact of this missense change (SIFT: "Deleterious"; PolyPhen-2: "Benign"; Align-GVGD: "Class C0"). This variant has not been reported in the literature in individuals affected with ESPN-related conditions. This variant is present in population databases (rs763714861, gnomAD 0.08%). This sequence change replaces serine, which is neutral and polar, with arginine, which is basic and polar, at codon 504 of the ESPN protein (p.Ser504Arg).

NM_031475.3(ESPN):c.1512C>G (p.Ser504Arg)

Gene: ESPN (espin; plus strand). Cytogenetic location: 1p36.31.
Variant type: single nucleotide variant.
Coding change: c.1512C>G on transcript NM_031475.3 (MANE Select); coding-DNA position 1512, C replaced by G.
Protein change: p.Ser504Arg; replaces serine 504 with arginine.
Molecular consequence: missense variant.
Genome position (GRCh38, 1-based): chr1:6,448,688, C>G. VCF-style: chr1-6448688-C-G. GRCh37 (hg19) VCF-style: chr1-6508748-C-G.
Other names: c.1512C>G (NM_031475.2); c.1512C>G, p.Ser504Arg (NM_001367473.1, NM_001367474.1); short protein forms S504R.
Identifiers: ClinVar variation 2048400 (VCV002048400.5), dbSNP rs763714861, ClinGen allele CA560268.